The following is an entry in ClinVar:

ClinVar aggregate classification (germline): Pathogenic (1 of 4 stars; one submission).

Conditions:
Nephronophthisis. Also called: Juvenile Nephronophthisis. Identifiers: Orphanet 655, MedGen C0687120, MONDO:0019005, HP:0000090.
Jeune thoracic dystrophy. Also called: Short-rib thoracic dysplasia; Jeune syndrome; Infantile thoracic dystrophy; Thoracic pelvic phalangeal dystrophy; Jeune's syndrome; Chondroectodermal dysplasia-like syndrome. Identifiers: Orphanet 474, MedGen C0265275, MONDO:0018770.

Submission:

Labcorp Genetics (formerly Invitae), Labcorp
Classification: Pathogenic for Jeune thoracic dystrophy; Nephronophthisis. Last evaluated: 2022-02-17. Review status: criteria provided, single submitter. Criteria: Invitae Variant Classification Sherloc (09022015). Collection method: clinical testing. Allele origin: germline.
Comment: This variant is a gross deletion of the genomic region encompassing exon(s) 23-25 of the TTC21B gene. This deletion is out-of-frame, and is expected to create a premature termination codon and result in an absent or disrupted protein product. Loss-of-function variants in TTC21B are known to be pathogenic (PMID: 18327258, 21068128, 21258341, 23559409, 24876116, 25492405, 27491411, 29068549). For these reasons, this variant has been classified as Pathogenic. This variant has not been reported in the literature in individuals affected with TTC21B-related conditions.

Literature cited by the submitters: PubMed 18327258; PubMed 21068128; PubMed 21258341; PubMed 23559409; PubMed 24876116; PubMed 25492405; PubMed 27491411; PubMed 29068549.

NC_000002.11:g.(?_166744769)_(166747518_?)del

Gene: TTC21B (tetratricopeptide repeat domain 21B; minus strand). Cytogenetic location: 2q24.3.
Variant type: Deletion.
Identifiers: ClinVar variation 2426880 (VCV002426880.3).